The following is an entry in ClinVar:

ClinVar aggregate classification (germline): Uncertain significance (1 of 4 stars; one submission).

Conditions:
Spermatogenic failure 18. Identifiers: MedGen C4539783, MONDO:0054615, OMIM 617576.
Ciliary dyskinesia, primary, 37 (CILD37). Also called: CILIARY DYSKINESIA, PRIMARY, 37, WITH OR WITHOUT SITUS INVERSUS. Identifiers: MedGen C4539798, MONDO:0033204, OMIM 617577.

gnomAD v4.1: 2 of 1,613,976 alleles (0.00012%); no homozygotes.

Submission:

Labcorp Genetics (formerly Invitae), Labcorp
Classification: Uncertain significance for Ciliary dyskinesia, primary, 37; Spermatogenic failure 18. Last evaluated: 2025-08-18. Review status: criteria provided, single submitter. Criteria: Invitae Variant Classification Sherloc (09022015). Collection method: clinical testing. Allele origin: germline.
Comment: This sequence change replaces leucine, which is neutral and non-polar, with serine, which is neutral and polar, at codon 266 of the DNAH1 protein (p.Leu266Ser). This variant is not present in population databases (gnomAD no frequency). This variant has not been reported in the literature in individuals affected with DNAH1-related conditions. ClinVar contains an entry for this variant (Variation ID: 2948933). An algorithm developed to predict the effect of missense changes on protein structure and function (PolyPhen-2) suggests that this variant is likely to be tolerated. In summary, the available evidence is currently insufficient to determine the role of this variant in disease. Therefore, it has been classified as a Variant of Uncertain Significance.

NM_015512.5(DNAH1):c.797T>C (p.Leu266Ser)

Gene: DNAH1 (dynein axonemal heavy chain 1; plus strand). Cytogenetic location: 3p21.1.
Variant type: single nucleotide variant.
Coding change: c.797T>C on transcript NM_015512.5 (MANE Select); coding-DNA position 797, T replaced by C.
Protein change: p.Leu266Ser; replaces leucine 266 with serine.
Molecular consequence: missense variant.
Genome position (GRCh38, 1-based): chr3:52,327,940, T>C. VCF-style: chr3-52327940-T-C. GRCh37 (hg19) VCF-style: chr3-52361956-T-C.
Other names: short protein forms L266S.
Identifiers: ClinVar variation 2948933 (VCV002948933.3), dbSNP rs2471135102, ClinGen allele CA353089775.
Genomic context (GRCh38, chr3:52,327,940, plus strand): 5'-AGGTATTTGACAATGAGGACTTTGACTGCCGGACTCCCAGAGAGTGGATCAACATGGGCT[T>C]GGAGCCAGGGTCTCTGGACAGGAAACCTGTCCCGGGAAAAGCCCTCTTGCCCACTGATGA-3'
Protein context (NP_056327.4, residues 256-276): RTPREWINMG[Leu266Ser]EPGSLDRKPV